The following is an entry in ClinVar:

ClinVar aggregate classification (germline): Uncertain significance. Review status: criteria provided, multiple submitters, no conflicts (2 of 4 stars). 3 submissions from 3 submitters: Uncertain significance (3). Last evaluated 2026-02-11.

Allele frequency attached by ClinVar (database versions not stated): TOPMed 0.00002; gnomAD 0.00003.
gnomAD v4.1: 13 of 1,550,144 alleles (0.00084%); highest among the groups gnomAD compares: Admixed American, 0.0098%; 1 homozygote.

Submissions (3):

GeneDx
Classification: Uncertain significance. Last evaluated: 2026-02-11. Review status: criteria provided, single submitter. Criteria: GeneDx Variant Classification Process June 2021. Collection method: clinical testing. Allele origin: germline.
Comment: Not observed at significant frequency in large population cohorts (gnomAD); In silico analysis supports that this missense variant has a deleterious effect on protein structure/function; Has not been previously published as pathogenic or benign to our knowledge

Labcorp Genetics (formerly Invitae), Labcorp
Classification: Uncertain significance. Last evaluated: 2026-01-05. Review status: criteria provided, single submitter. Criteria: Invitae Variant Classification Sherloc (09022015). Collection method: clinical testing. Allele origin: germline.
Comment: This sequence change replaces proline, which is neutral and non-polar, with glutamine, which is neutral and polar, at codon 2808 of the OTOG protein (p.Pro2808Gln). The frequency data for this variant in the population databases is considered unreliable, as metrics indicate poor data quality at this position in the gnomAD database. This variant has not been reported in the literature in individuals affected with OTOG-related conditions. ClinVar contains an entry for this variant (Variation ID: 2070158). An algorithm developed to predict the effect of missense changes on protein structure and function (PolyPhen-2) suggests that this variant is likely to be disruptive. In summary, the available evidence is currently insufficient to determine the role of this variant in disease. Therefore, it has been classified as a Variant of Uncertain Significance.

Blueprint Genetics
Classification: Uncertain significance. Last evaluated: 2024-09-18. Review status: criteria provided, single submitter. Criteria: ACMG Guidelines, 2015. Collection method: clinical testing. Allele origin: germline.

NM_001292063.2(OTOG):c.8387C>A (p.Pro2796Gln)

Gene: OTOG (otogelin; plus strand). Cytogenetic location: 11p15.1.
Variant type: single nucleotide variant.
Coding change: c.8387C>A on transcript NM_001292063.2 (MANE Select); coding-DNA position 8387, C replaced by A.
Protein change: p.Pro2796Gln; replaces proline 2796 with glutamine.
Molecular consequence: missense variant.
Genome position (GRCh38, 1-based): chr11:17,642,218, C>A. VCF-style: chr11-17642218-C-A. GRCh37 (hg19) VCF-style: chr11-17663765-C-A.
Other names: c.8423C>A (NM_001277269.1); c.8423C>A, p.Pro2808Gln (NM_001277269.2); short protein forms P2808Q, P2796Q.
Identifiers: ClinVar variation 2070158 (VCV002070158.5), dbSNP rs1017915178, ClinGen allele CA218456864.